The following is an entry in ClinVar:

NM_004086.3(COCH):c.177C>A (p.Phe59Leu)

Genes: COCH (cochlin; plus strand), COCH-AS1 (COCH antisense RNA 1; minus strand). Cytogenetic location: 14q12.
Variant type: single nucleotide variant.
Coding change: c.177C>A on transcript NM_004086.3 (MANE Select); coding-DNA position 177, C replaced by A.
Protein change: p.Phe59Leu; replaces phenylalanine 59 with leucine.
Molecular consequence: missense variant.
Genome position (GRCh38, 1-based): chr14:30,877,666, C>A. VCF-style: chr14-30877666-C-A. GRCh37 (hg19) VCF-style: chr14-31346872-C-A.
Other names: c.177C>A (NM_001135058.1); c.177C>A, p.Phe59Leu (NM_001135058.2); c.372C>A, p.Phe124Leu (NM_001347720.2); short protein forms F59L, F124L.
Identifiers: ClinVar variation 618569 (VCV000618569.15), dbSNP rs772104254, ClinGen allele CA7142945.

ClinVar aggregate classification (germline): Uncertain significance. Review status: criteria provided, multiple submitters, no conflicts (2 of 4 stars). 5 submissions from 5 submitters: Uncertain significance (5). Last evaluated 2025-11-11.

Conditions:
COCH-related disorder. Also called: COCH-related condition.
Inborn genetic diseases. Identifiers: MedGen C0950123, MeSH D030342.

Allele frequency attached by ClinVar (database versions not stated): gnomAD 0.00001; ExAC 0.00002; gnomAD exomes 0.00002 and 0.00003; TOPMed 0.00003.
gnomAD v4.1: 10 of 1,614,082 alleles (0.00062%); highest among the groups gnomAD compares: Admixed American, 0.017%; no homozygotes.

Submissions (5):

PreventionGenetics, part of Exact Sciences
Classification: Uncertain significance for COCH-related condition. Last evaluated: 2025-11-11. Review status: criteria provided, single submitter. Criteria: ACMG Guidelines, 2015. Collection method: clinical testing. Allele origin: germline.
Comment: The COCH c.177C>A variant is predicted to result in the amino acid substitution p.Phe59Leu. To our knowledge, this variant has not been reported in the literature. This variant is reported in 0.020% of alleles in individuals of Latino descent in gnomAD. At this time, the clinical significance of this variant is uncertain due to the absence of conclusive functional and genetic evidence.

GeneDx
Classification: Uncertain significance. Last evaluated: 2025-07-03. Review status: criteria provided, single submitter. Criteria: GeneDx Variant Classification Process June 2021. Collection method: clinical testing. Allele origin: germline. Affected: yes.
Comment: In silico analysis suggests that this missense variant does not alter protein structure/function; Has not been previously published as pathogenic or benign to our knowledge

Labcorp Genetics (formerly Invitae), Labcorp
Classification: Uncertain significance. Last evaluated: 2025-05-21. Review status: criteria provided, single submitter. Criteria: Invitae Variant Classification Sherloc (09022015). Collection method: clinical testing. Allele origin: germline.
Comment: This sequence change replaces phenylalanine, which is neutral and non-polar, with leucine, which is neutral and non-polar, at codon 59 of the COCH protein (p.Phe59Leu). This variant is present in population databases (rs772104254, gnomAD 0.01%). This variant has not been reported in the literature in individuals affected with COCH-related conditions. ClinVar contains an entry for this variant (Variation ID: 618569). Invitae Evidence Modeling of protein sequence and biophysical properties (such as structural, functional, and spatial information, amino acid conservation, physicochemical variation, residue mobility, and thermodynamic stability) indicates that this missense variant is not expected to disrupt COCH protein function with a negative predictive value of 95%. In summary, the available evidence is currently insufficient to determine the role of this variant in disease. Therefore, it has been classified as a Variant of Uncertain Significance.

Ambry Genetics
Classification: Uncertain significance for Inborn genetic diseases. Last evaluated: 2025-04-10. Review status: criteria provided, single submitter. Criteria: Ambry Variant Classification Scheme 2023. Collection method: clinical testing. Allele origin: germline.

ARUP Laboratories, Molecular Genetics and Genomics, ARUP Laboratories
Classification: Uncertain significance. Last evaluated: 2017-09-26. Review status: criteria provided, single submitter. Criteria: ARUP Molecular Germline Variant Investigation Process. Collection method: clinical testing. Allele origin: germline.
Comment: The p.Phe59Leu variant (rs772104254) has not been reported in the medical literature, nor has it been previously identified in our laboratory. The p.Phe59Leu variant is listed in the Genome Aggregation Database (gnomAD) browser with an allele frequency of 0.015% in the Latino population (identified in 5 out of 33,582 chromosomes). The phenylalanine at codon 59 is moderately conserved considering 12 species (Alamut software v2.10.0), and computational analyses predict conflicting effects of this variant on protein structure/function (SIFT: tolerated, PolyPhen2: benign, MutationTaster: disease causing). Based on the available information, the clinical significance of the p.Phe59Leu variant cannot be determined with certainty.